The following is an entry in ClinVar:

NM_001007527.2(LMBRD2):c.1300G>A (p.Glu434Lys)

Gene: LMBRD2 (LMBR1 domain containing 2; minus strand). Cytogenetic location: 5p13.2.
Variant type: single nucleotide variant.
Coding change: c.1300G>A on transcript NM_001007527.2 (MANE Select); coding-DNA position 1300, G replaced by A.
Protein change: p.Glu434Lys; replaces glutamic acid 434 with lysine.
Molecular consequence: missense variant.
Genome position (GRCh38, 1-based): chr5:36,117,737, C>T on the plus strand (G>A on the coding strand, the complement: LMBRD2 is on the minus strand). VCF-style: chr5-36117737-C-T. GRCh37 (hg19) VCF-style: chr5-36117839-C-T.
Other names: c.1300G>A (NM_001007527.1); short protein forms E434K.
Identifiers: ClinVar variation 3376457 (VCV003376457.2).

ClinVar aggregate classification (germline): Uncertain significance. Review status: criteria provided, multiple submitters, no conflicts (2 of 4 stars). 2 submissions from 2 submitters: Uncertain significance (2). Last evaluated 2025-06-24.

Conditions:
Inborn genetic diseases. Identifiers: MedGen C0950123, MeSH D030342.
Developmental delay with variable neurologic and brain abnormalities (MLHNS). Also called: MALHOTRA NEURODEVELOPMENTAL SYNDROME. Identifiers: MedGen C5562060, MONDO:0859218, OMIM 619694.

gnomAD v4.1: 39 of 1,592,726 alleles (0.0024%); highest among the groups gnomAD compares: Admixed American, 0.0069%; no homozygotes.

Submissions (2):

Ambry Genetics
Classification: Uncertain significance for Inborn genetic diseases. Last evaluated: 2025-06-24. Review status: criteria provided, single submitter. Criteria: Ambry Variant Classification Scheme 2023. Collection method: clinical testing. Allele origin: germline.

Pittsburgh Clinical Genomics Laboratory, University of Pittsburgh Medical Center
Classification: Uncertain significance for Developmental delay with variable neurologic and brain abnormalities. Last evaluated: 2024-05-06. Review status: criteria provided, single submitter. Criteria: ACMG Guidelines, 2015. Collection method: clinical testing. Allele origin: germline. Inheritance: Autosomal dominant inheritance. Affected: yes.
Comment: This sequence variant is a single nucleotide substitution (G>A) at position 1300 of the coding sequence of the LMBRD2 gene that results in a glutamic acid to lysine amino acid change at residue 434 of the LMBR1 domain containing 2 protein. This variant is absent from ClinVar and has not been observed in individuals affected by a LMBRD2-related disorder in the published literature, to our knowledge. This variant is present in 39 of 1592726 alleles (0.0024%) in the gnomAD v4.1.0 population dataset. Multiple bioinformatic tools predict that this amino acid change would be damaging, and the Glu434 residue at this position is highly conserved across the vertebrate species examined. Studies examining the functional consequence of this variant have not been published, to our knowledge. At this time, there is insufficient evidence to determine if this variant is pathogenic or benign. Therefore, we consider this a variant of uncertain significance. ACMG Criteria: PM2, PP3